The following is an entry in ClinVar:

ClinVar aggregate classification (germline): Uncertain significance. Review status: criteria provided, multiple submitters, no conflicts (2 of 4 stars). 2 submissions from 2 submitters: Uncertain significance (2). Last evaluated 2024-10-22.

Conditions:
Lethal multiple pterygium syndrome (LMPS). Identifiers: Orphanet 33108, MedGen C1854678, MONDO:0009668, OMIM 253290.

Submissions (2):

Labcorp Genetics (formerly Invitae), Labcorp
Classification: Uncertain significance for Lethal multiple pterygium syndrome. Last evaluated: 2024-10-22. Review status: criteria provided, single submitter. Criteria: Invitae Variant Classification Sherloc (09022015). Collection method: clinical testing. Allele origin: germline.
Comment: This sequence change creates a premature translational stop signal (p.Asn456Metfs*22) in the CHRND gene. While this is not anticipated to result in nonsense mediated decay, it is expected to disrupt the last 62 amino acid(s) of the CHRND protein. This variant is present in population databases (rs775837014, gnomAD 0.03%). This variant has not been reported in the literature in individuals affected with CHRND-related conditions. ClinVar contains an entry for this variant (Variation ID: 961771). This variant disrupts the C-terminus of the CHRND protein. Other variant(s) that disrupt this region (p.R464*) have been observed in individuals with CHRND-related conditions (PMID: 18252226). This suggests that this may be a clinically significant region of the protein. In summary, the available evidence is currently insufficient to determine the role of this variant in disease. Therefore, it has been classified as a Variant of Uncertain Significance.

GeneDx
Classification: Uncertain significance. Last evaluated: 2022-05-16. Review status: criteria provided, single submitter. Criteria: GeneDx Variant Classification Process June 2021. Collection method: clinical testing. Allele origin: germline. Affected: yes.
Comment: Frameshift variant predicted to result in protein truncation, as the last 62 amino acids are replaced with 21 different amino acids, and other loss-of-function variants have been reported downstream in HGMD; Has not been previously published as pathogenic or benign to our knowledge

Literature cited by the submitters: PubMed 18252226 (cited by Labcorp Genetics (formerly Invitae), Labcorp).

NM_000751.3(CHRND):c.1367del (p.Asn456fs)

Gene: CHRND (cholinergic receptor nicotinic delta subunit; plus strand). Cytogenetic location: 2q37.1.
Variant type: Deletion.
Coding change: c.1367del on transcript NM_000751.3 (MANE Select); coding-DNA position 1367, one base deleted (A; older notation c.1367delA).
Protein change: p.Asn456fs; shifts the reading frame from asparagine 456.
Molecular consequence: frameshift variant.
Genome position (GRCh38, 1-based): chr2:232,534,338, A deleted; the last of 2 consecutive A bases (chr2:232,534,337-232,534,338); deleting either gives the same sequence. VCF-style (leftmost placement, unchanged base first): chr2-232534336-CA-C. GRCh37 (hg19) VCF-style: chr2-233399046-CA-C.
Other names: c.1322del, p.Asn441fs (NM_001256657.2); c.785del, p.Asn262fs (NM_001311195.2); c.1064del, p.Asn355fs (NM_001311196.2); short protein forms N262fs, N355fs, N441fs, N456fs.
Identifiers: ClinVar variation 961771 (VCV000961771.9), dbSNP rs775837014, ClinGen allele CA2168329.